The following is an entry in ClinVar:

ClinVar aggregate classification (germline): Benign/Likely benign. Review status: criteria provided, multiple submitters, no conflicts (2 of 4 stars). 6 submissions from 6 submitters: Benign (3); Likely benign (1). 2 of the submissions do not count toward it. Last evaluated 2026-02-01.

Conditions:
Autosomal recessive spastic paraplegia type 78. Identifiers: Orphanet 513436, MedGen C5567893, MONDO:0014975, OMIM 617225.
Kufor-Rakeb syndrome (KRS). Also called: PARKINSON DISEASE 9, AUTOSOMAL RECESSIVE, JUVENILE-ONSET. Identifiers: Orphanet 306674, Orphanet 314632, MedGen C1847640, MONDO:0011706, OMIM 606693.
ATP13A2-related disorder. Also called: ATP13A2-related disorders; ATP13A2-related condition.

Allele frequency attached by ClinVar (database versions not stated): ESP Exome Variant Server 0.00008; gnomAD exomes 0.00160 and 0.00453; TOPMed 0.00206; gnomAD 0.00227 and 0.00267; ExAC 0.00493; 1000 Genomes Project 30x 0.00750; 1000 Genomes Project 0.00819.

Submissions (6):

Labcorp Genetics (formerly Invitae), Labcorp
Classification: Benign for Kufor-Rakeb syndrome; Autosomal recessive spastic paraplegia type 78. Last evaluated: 2026-02-01. Review status: criteria provided, single submitter. Criteria: Invitae Variant Classification Sherloc (09022015). Collection method: clinical testing. Allele origin: germline.

Fulgent Genetics
Classification: Benign for Kufor-Rakeb syndrome; Autosomal recessive spastic paraplegia type 78. Last evaluated: 2021-08-24. Review status: criteria provided, single submitter. Criteria: ACMG Guidelines, 2015. Collection method: clinical testing. Allele origin: unknown.

GeneDx
Classification: Likely benign. Last evaluated: 2020-11-11. Review status: criteria provided, single submitter. Criteria: GeneDx Variant Classification Process June 2021. Collection method: clinical testing. Allele origin: germline. Affected: yes.

Illumina Laboratory Services, Illumina
Classification: Benign for Kufor-Rakeb syndrome. Last evaluated: 2018-01-13. Review status: criteria provided, single submitter. Criteria: ICSL Variant Classification Criteria 13 December 2019. Collection method: clinical testing. Allele origin: germline.
Comment: This variant was observed in the ICSL laboratory as part of a predisposition screen in an ostensibly healthy population. It had not been previously curated by ICSL or reported in the Human Gene Mutation Database (HGMD: prior to June 1st, 2018), and was therefore a candidate for classification through an automated scoring system. Utilizing variant allele frequency, disease prevalence and penetrance estimates, and inheritance mode, an automated score was calculated to assess if this variant is too frequent to cause the disease. Based on the score and internal cut-off values, a variant classified as benign is not then subjected to further curation. The score for this variant resulted in a classification of benign for this disease.

PreventionGenetics, part of Exact Sciences
Classification: Benign for ATP13A2-related condition. Last evaluated: 2019-09-25. Review status: no assertion criteria provided. Collection method: clinical testing. Allele origin: germline. Not counted in ClinVar's aggregate classification.
Comment: This variant is classified as benign based on ACMG/AMP sequence variant interpretation guidelines (Richards et al. 2015 PMID: 25741868, with internal and published modifications).

Mayo Clinic Laboratories, Mayo Clinic
Classification: Benign. Last evaluated: 2018-01-05. Review status: no assertion criteria provided. Collection method: clinical testing. Allele origin: unknown. Not counted in ClinVar's aggregate classification.

NM_022089.4(ATP13A2):c.1195+9C>T

Gene: ATP13A2 (ATPase cation transporting 13A2; minus strand). Cytogenetic location: 1p36.13.
Variant type: single nucleotide variant.
Coding change: c.1195+9C>T on transcript NM_022089.4 (MANE Select); 9 bases into the intron after coding-DNA position 1195, C replaced by T.
Molecular consequence: intron variant.
Genome position (GRCh38, 1-based): chr1:16,997,011, G>A on the plus strand (C>T on the coding strand, the complement: ATP13A2 is on the minus strand). VCF-style: chr1-16997011-G-A. GRCh37 (hg19) VCF-style: chr1-17323506-G-A.
Other names: c.1180+9C>T (NM_001141974.3, NM_001141973.3).
Identifiers: ClinVar variation 293797 (VCV000293797.27), dbSNP rs117758987, ClinGen allele CA637336.
Genomic context (GRCh38, chr1:16,997,011, plus strand): 5'-GCCTCACTCCACCTCTCCCAAGGGTGCTGAGCCCGGGATCTCTCTCAAGCCCAGCCTCCC[G>A]GCTCATACCTGTGCGGGTCACCACTGCCAGGACGTGCGGTCCCACATAGGCCCGGGCCTG-3'